The following is an entry in ClinVar:

NM_000218.3(KCNQ1):c.1913T>C (p.Ile638Thr)

Genes: KCNQ1 (potassium voltage-gated channel subfamily Q member 1; plus strand), KCNQ1-AS1 (KCNQ1 antisense RNA 1; minus strand). Cytogenetic location: 11p15.4.
Variant type: single nucleotide variant.
Coding change: c.1913T>C on transcript NM_000218.3 (MANE Select); coding-DNA position 1913, T replaced by C.
Protein change: p.Ile638Thr; replaces isoleucine 638 with threonine.
Molecular consequence: missense variant.
Genome position (GRCh38, 1-based): chr11:2,847,885, T>C. VCF-style: chr11-2847885-T-C. GRCh37 (hg19) VCF-style: chr11-2869115-T-C.
Other names: c.1817T>C, p.Ile606Thr (NM_001406836.1); c.1643T>C, p.Ile548Thr (NM_001406837.1); c.1373T>C, p.Ile458Thr (NM_001406838.1); c.425T>C, p.Ile142Thr (NM_001406839.1); c.1532T>C, p.Ile511Thr (NM_181798.2); short protein forms I142T, I458T, I511T, I548T, I606T, I638T.
Identifiers: ClinVar variation 3573493 (VCV003573493.1).

ClinVar aggregate classification (germline): Uncertain significance (1 of 4 stars; one submission).

gnomAD v4.1: 1 of 1,582,544 alleles (0.000063%); highest among the groups gnomAD compares: Middle Eastern, 0.017%; no homozygotes.

Submission:

GeneDx
Classification: Uncertain significance. Last evaluated: 2024-07-16. Review status: criteria provided, single submitter. Criteria: GeneDx Variant Classification Process June 2021. Collection method: clinical testing. Allele origin: germline. Affected: yes.
Comment: Observed in apparent homozygous state in a patient with sensorineural hearing loss in the literature and not observed in homozygous state in controls (PMID: 34515852); Not observed at significant frequency in large population cohorts (gnomAD); In silico analysis indicates that this missense variant does not alter protein structure/function; This variant is associated with the following publications: (PMID: 34515852)